The following is an entry in ClinVar:

NM_005609.4(PYGM):c.1094C>A (p.Ala365Glu)

Gene: PYGM (glycogen phosphorylase, muscle associated; minus strand). Cytogenetic location: 11q13.1.
Variant type: single nucleotide variant.
Coding change: c.1094C>A on transcript NM_005609.4 (MANE Select); coding-DNA position 1094, C replaced by A.
Protein change: p.Ala365Glu; replaces alanine 365 with glutamic acid.
Molecular consequence: missense variant.
Genome position (GRCh38, 1-based): chr11:64,754,024, G>T on the plus strand (C>A on the coding strand, the complement: PYGM is on the minus strand). VCF-style: chr11-64754024-G-T. GRCh37 (hg19) VCF-style: chr11-64521496-G-T.
Other names: c.830C>A, p.Ala277Glu (NM_001164716.1); short protein forms A277E, A365E.
Identifiers: ClinVar variation 4060643 (VCV004060643.2).
Genomic context (GRCh38, chr11:64,754,024, plus strand): 5'-AGGGCCTCGGGCAGCACCGTGTGGTTGGTGTAGGCACAGGTCCTCACTGTCACATCCCAC[G>T]CCTGGCACACGGGGTGGGCAGTCAGGATGCTGACCTCAGCCCAGTGGGTCTCCTCACACA-3'
Protein context (NP_005600.1, residues 355-375): VDLERMDWDK[Ala365Glu]WDVTVRTCAY

ClinVar aggregate classification (germline): Likely pathogenic (1 of 4 stars; one submission).

Conditions:
Glycogen storage disease, type V (GSD5). Also called: MCARDLE DISEASE; MUSCLE GLYCOGEN PHOSPHORYLASE DEFICIENCY; MYOPHOSPHORYLASE DEFICIENCY; PYGM DEFICIENCY; McArdle type glycogen storage disease. Identifiers: Orphanet 368, MedGen C0017924, MONDO:0009293, OMIM 232600.

Submission:

Natera, Inc.
Classification: Likely pathogenic for Glycogen storage disease V. Last evaluated: 2025-02-06. Review status: criteria provided, single submitter. Criteria: Natera Variant Classification Schema (03/2026). Collection method: clinical testing. Allele origin: germline.
Comment: The c.1094C>A variant in PYGM is a missense variant predicted to cause substitution of alanine to glutamic acid at amino acid 365. This variant is rare in the general population with a frequency below the threshold expected for the associated phenotype(s). This variant has been observed in one or more individuals affected with the associated recessive disease, as either homozygous or compound heterozygous with a second variant (PMID: 34534370). A different variant at the same position has been determined to be Pathogenic or Likely Pathogenic. Computational prediction algorithms indicate this variant is likely to affect gene or protein function. Given the available evidence, this variant is classified as Likely Pathogenic.

Literature cited by the submitters: PubMed 34534370.